The following is an entry in ClinVar:

NM_002860.4(ALDH18A1):c.1631A>G (p.Asp544Gly)

Gene: ALDH18A1 (aldehyde dehydrogenase 18 family member A1; minus strand). Cytogenetic location: 10q24.1.
Variant type: single nucleotide variant.
Coding change: c.1631A>G on transcript NM_002860.4 (MANE Select); coding-DNA position 1631, A replaced by G.
Protein change: p.Asp544Gly; replaces aspartic acid 544 with glycine.
Molecular consequence: missense variant.
Genome position (GRCh38, 1-based): chr10:95,614,136, T>C on the plus strand (A>G on the coding strand, the complement: ALDH18A1 is on the minus strand). VCF-style: chr10-95614136-T-C. GRCh37 (hg19) VCF-style: chr10-97373893-T-C.
Other names: c.1625A>G, p.Asp542Gly (NM_001017423.2, NM_001323415.2); c.1298A>G, p.Asp433Gly (NM_001323412.2, NM_001323416.2); c.1631A>G, p.Asp544Gly (NM_001323413.2, NM_001323414.2); c.1526A>G, p.Asp509Gly (NM_001323417.2); c.1292A>G, p.Asp431Gly (NM_001323418.2); c.995A>G, p.Asp332Gly (NM_001323419.2); short protein forms D332G, D431G, D433G, D509G, D542G, D544G.
Identifiers: ClinVar variation 1200228 (VCV001200228.10), dbSNP rs372744264, ClinGen allele CA5620257.

ClinVar aggregate classification (germline): Uncertain significance. Review status: criteria provided, multiple submitters, no conflicts (2 of 4 stars). 2 submissions from 2 submitters: Uncertain significance (2). Last evaluated 2025-07-08.

Conditions:
Cutis laxa, autosomal dominant 3 (ADCL3). Identifiers: Orphanet 90348, MedGen C4225268, MONDO:0014706, OMIM 616603.
Autosomal dominant spastic paraplegia type 9. Identifiers: MedGen C1832669, MONDO:0015091.
de Barsy syndrome. Also called: Cutis laxa-corneal clouding-oligophrenia syndrome. Identifiers: Orphanet 2962, MedGen C0268354, MONDO:0017569.

Allele frequency attached by ClinVar (database versions not stated): gnomAD exomes 0.00001; gnomAD 0.00006 and 0.00005; ESP Exome Variant Server 0.00008; ExAC 0.00002; TOPMed 0.00004.
gnomAD v4.1: 22 of 1,614,096 alleles (0.0014%); highest among the groups gnomAD compares: Non-Finnish European, 0.0019%; no homozygotes.

Submissions (2):

Labcorp Genetics (formerly Invitae), Labcorp
Classification: Uncertain significance for Autosomal dominant spastic paraplegia type 9; de Barsy syndrome; Cutis laxa, autosomal dominant 3. Last evaluated: 2025-07-08. Review status: criteria provided, single submitter. Criteria: Invitae Variant Classification Sherloc (09022015). Collection method: clinical testing. Allele origin: germline.
Comment: This sequence change replaces aspartic acid, which is acidic and polar, with glycine, which is neutral and non-polar, at codon 544 of the ALDH18A1 protein (p.Asp544Gly). This variant is present in population databases (rs372744264, gnomAD 0.004%). This variant has not been reported in the literature in individuals affected with ALDH18A1-related conditions. ClinVar contains an entry for this variant (Variation ID: 1200228). Invitae Evidence Modeling of protein sequence and biophysical properties (such as structural, functional, and spatial information, amino acid conservation, physicochemical variation, residue mobility, and thermodynamic stability) has been performed for this missense variant. However, the output from this modeling did not meet the statistical confidence thresholds required to predict the impact of this variant on ALDH18A1 protein function. In summary, the available evidence is currently insufficient to determine the role of this variant in disease. Therefore, it has been classified as a Variant of Uncertain Significance.

GeneDx
Classification: Uncertain significance. Last evaluated: 2025-01-17. Review status: criteria provided, single submitter. Criteria: GeneDx Variant Classification Process June 2021. Collection method: clinical testing. Allele origin: germline. Affected: yes.
Comment: In silico analysis supports that this missense variant has a deleterious effect on protein structure/function; Has not been previously published as pathogenic or benign to our knowledge; Not observed at significant frequency in large population cohorts (gnomAD)